The following is an entry in ClinVar:

NM_001077653.2(TBX20):c.1202C>T (p.Ala401Val)

Gene: TBX20 (T-box transcription factor 20; minus strand). Cytogenetic location: 7p14.2.
Variant type: single nucleotide variant.
Coding change: c.1202C>T on transcript NM_001077653.2 (MANE Select); coding-DNA position 1202, C replaced by T.
Protein change: p.Ala401Val; replaces alanine 401 with valine.
Molecular consequence: missense variant.
Genome position (GRCh38, 1-based): chr7:35,202,572, G>A on the plus strand (C>T on the coding strand, the complement: TBX20 is on the minus strand). VCF-style: chr7-35202572-G-A. GRCh37 (hg19) VCF-style: chr7-35242184-G-A.
Other names: short protein forms A401V.
Identifiers: ClinVar variation 2894163 (VCV002894163.3), dbSNP rs2546980899, ClinGen allele CA367263006.
Genomic context (GRCh38, chr7:35,202,572, plus strand): 5'-TATCGCGGCATGTGGAATGAAGGGAATGTGGGGCCACTCCCTTGCATGGAGCTGGCAATG[G>A]CCGATGGTGTCAGAGGCATTCCCAGTCGGCTATATGGTGGCAGAGAACCCTGGATGGGGT-3'
Protein context (NP_001071121.1, residues 391-411): SRLGMPLTPS[Ala401Val]IASSMQGSGP

ClinVar aggregate classification (germline): Uncertain significance (1 of 4 stars; one submission).

Allele frequency attached by ClinVar (database versions not stated): gnomAD exomes below 0.00001.

Submission:

Labcorp Genetics (formerly Invitae), Labcorp
Classification: Uncertain significance. Last evaluated: 2023-09-22. Review status: criteria provided, single submitter. Criteria: Invitae Variant Classification Sherloc (09022015). Collection method: clinical testing. Allele origin: germline.
Comment: This sequence change replaces alanine, which is neutral and non-polar, with valine, which is neutral and non-polar, at codon 401 of the TBX20 protein (p.Ala401Val). This variant is not present in population databases (gnomAD no frequency). This variant has not been reported in the literature in individuals affected with TBX20-related conditions. An algorithm developed to predict the effect of missense changes on protein structure and function (PolyPhen-2) suggests that this variant is likely to be disruptive. In summary, the available evidence is currently insufficient to determine the role of this variant in disease. Therefore, it has been classified as a Variant of Uncertain Significance.